The following is an entry in ClinVar:

NM_001393504.1(MAST3):c.695G>A (p.Arg232Gln)

Gene: MAST3 (microtubule associated serine/threonine kinase 3; plus strand). Cytogenetic location: 19p13.11.
Variant type: single nucleotide variant.
Coding change: c.695G>A on transcript NM_001393504.1 (MANE Select); coding-DNA position 695, G replaced by A.
Protein change: p.Arg232Gln; replaces arginine 232 with glutamine.
Molecular consequence: missense variant.
Genome position (GRCh38, 1-based): chr19:18,124,000, G>A. VCF-style: chr19-18124000-G-A. GRCh37 (hg19) VCF-style: chr19-18234810-G-A.
Other names: c.605G>A, p.Arg202Gln (NM_001393515.1, NM_001393520.1); c.629G>A, p.Arg210Gln (NM_001393516.1, NM_001393508.1); c.626G>A, p.Arg209Gln (NM_001393517.1, NM_001393518.1, NM_001393509.1 and 2 more transcripts); c.623G>A, p.Arg208Gln (NM_001393519.1, NM_001393511.1); c.581G>A, p.Arg194Gln (NM_001393521.1); c.608G>A, p.Arg203Gln (NM_015016.2, NM_001393514.1); c.719G>A, p.Arg240Gln (NM_001393501.1); c.698G>A, p.Arg233Gln (NM_001393502.1); and 4 more; short protein forms R194Q, R202Q, R203Q, R208Q, R209Q, R210Q, R216Q, R225Q.
Identifiers: ClinVar variation 3053792 (VCV003053792.9), dbSNP rs35945810, ClinGen allele CA9305678.
Genomic context (GRCh38, chr19:18,124,000, plus strand): 5'-CCACAGCACAGATGGAGGGCCGTCTGCAGGAGTTCCTGACGGCCTACGCGCCCGGCGCCC[G>A]GCTGGCGCTGGCTGATGGCGTCTTGGGCTTCATCCACCACCAGATCGTCGAGCTGGCCCG-3'
Protein context (NP_001380433.1, residues 222-242): EFLTAYAPGA[Arg232Gln]LALADGVLGF

ClinVar aggregate classification (germline): Benign/Likely benign. Review status: criteria provided, multiple submitters, no conflicts (2 of 4 stars). 3 submissions from 3 submitters: Benign (1); Likely benign (1). 1 of the submissions does not count toward it. Last evaluated 2026-06-01.

Conditions:
Inborn genetic diseases. Identifiers: MedGen C0950123, MeSH D030342.
MAST3-related disorder.

Allele frequency attached by ClinVar (database versions not stated): 1000 Genomes Project 0.00080; 1000 Genomes Project 30x 0.00094; gnomAD 0.00180; ESP Exome Variant Server 0.00243; ExAC 0.00287.
gnomAD v4.1: 4,325 of 1,593,212 alleles (0.27%); highest among the groups gnomAD compares: Non-Finnish European, 0.32%; 16 homozygotes.

Submissions (3):

CeGaT Center for Human Genetics Tuebingen
Classification: Benign. Last evaluated: 2026-06-01. Review status: criteria provided, single submitter. Criteria: CeGaT Center For Human Genetics Tuebingen Variant Classification Criteria Version 2. Collection method: clinical testing. Allele origin: germline. Affected: yes. Observed: 5 variant alleles.
Comment: MAST3: BP4, BS1, BS2

Ambry Genetics
Classification: Likely benign for Inborn genetic diseases. Last evaluated: 2024-01-24. Review status: criteria provided, single submitter. Criteria: Ambry Variant Classification Scheme 2023. Collection method: clinical testing. Allele origin: germline.

PreventionGenetics, part of Exact Sciences
Classification: Likely benign for MAST3-related condition. Last evaluated: 2023-05-05. Review status: no assertion criteria provided. Collection method: clinical testing. Allele origin: germline. Not counted in ClinVar's aggregate classification.
Comment: This variant is classified as likely benign based on ACMG/AMP sequence variant interpretation guidelines (Richards et al. 2015 PMID: 25741868, with internal and published modifications).